The following is an entry in ClinVar:

NM_018489.3(ASH1L):c.6956A>G (p.Lys2319Arg)

Gene: ASH1L (ASH1 like histone lysine methyltransferase; minus strand). Cytogenetic location: 1q22.
Variant type: single nucleotide variant.
Coding change: c.6956A>G on transcript NM_018489.3 (MANE Select); coding-DNA position 6956, A replaced by G.
Protein change: p.Lys2319Arg; replaces lysine 2319 with arginine.
Molecular consequence: missense variant.
Genome position (GRCh38, 1-based): chr1:155,357,589, T>C on the plus strand (A>G on the coding strand, the complement: ASH1L is on the minus strand). VCF-style: chr1-155357589-T-C. GRCh37 (hg19) VCF-style: chr1-155327380-T-C.
Other names: c.6971A>G, p.Lys2324Arg (NM_001366177.2); short protein forms K2319R, K2324R.
Identifiers: ClinVar variation 2672357 (VCV002672357.23), dbSNP rs2525811583, ClinGen allele CA342749853.

ClinVar aggregate classification (germline): Uncertain significance (1 of 4 stars; one submission).

Submission:

CeGaT Center for Human Genetics Tuebingen
Classification: Uncertain significance. Last evaluated: 2024-06-01. Review status: criteria provided, single submitter. Criteria: CeGaT Center For Human Genetics Tuebingen Variant Classification Criteria Version 2. Collection method: clinical testing. Allele origin: germline. Affected: yes. Observed: 2 variant alleles.
Comment: ASH1L: PM2, PP2